The following is an entry in ClinVar:

ClinVar aggregate classification (germline): Likely benign (0 of 4 stars; one submission).

Conditions:
TDP2-related disorder. Also called: TDP2-related condition.

Allele frequency attached by ClinVar (database versions not stated): gnomAD exomes 0.00030; 1000 Genomes Project 0.00060; 1000 Genomes Project 30x 0.00062; ExAC 0.00063; ESP Exome Variant Server 0.00138; gnomAD 0.00180; TOPMed 0.00231.
gnomAD v4.1: 748 of 1,613,050 alleles (0.046%); highest among the groups gnomAD compares: African/African-American, 0.59%; 3 homozygotes.

Submission:

PreventionGenetics, part of Exact Sciences
Classification: Likely benign for TDP2-related condition. Last evaluated: 2020-01-03. Review status: no assertion criteria provided. Collection method: clinical testing. Allele origin: germline.
Comment: This variant is classified as likely benign based on ACMG/AMP sequence variant interpretation guidelines (Richards et al. 2015 PMID: 25741868, with internal and published modifications).

NM_016614.3(TDP2):c.-9G>A

Genes: TDP2 (tyrosyl-DNA phosphodiesterase 2; minus strand), LOC113174982 (Sharpr-MPRA regulatory region 5933; plus strand). Cytogenetic location: 6p22.3.
Variant type: single nucleotide variant.
Coding change: c.-9G>A on transcript NM_016614.3 (MANE Select); 9 bases upstream of the start codon, G replaced by A.
Molecular consequence: 5 prime UTR variant.
Genome position (GRCh38, 1-based): chr6:24,666,871, C>T on the plus strand (G>A on the coding strand, the complement: TDP2 is on the minus strand). VCF-style: chr6-24666871-C-T. GRCh37 (hg19) VCF-style: chr6-24667099-C-T.
Identifiers: ClinVar variation 3038889 (VCV003038889.2), dbSNP rs369863568, ClinGen allele CA3658335.